The following is an entry in ClinVar:

NM_000038.6(APC):c.5075C>T (p.Thr1692Ile)

Gene: APC (APC regulator of Wnt signaling pathway; plus strand). Cytogenetic location: 5q22.2.
Variant type: single nucleotide variant.
Coding change: c.5075C>T on transcript NM_000038.6 (MANE Select); coding-DNA position 5075, C replaced by T.
Protein change: p.Thr1692Ile; replaces threonine 1692 with isoleucine.
Molecular consequence: missense variant. On other transcripts: non-coding transcript variant (2).
Genome position (GRCh38, 1-based): chr5:112,840,669, C>T. VCF-style: chr5-112840669-C-T. GRCh37 (hg19) VCF-style: chr5-112176366-C-T.
Other names: c.5075C>T, p.Thr1692Ile (NM_001127510.3, NM_001354895.2, NM_001407450.1); c.5021C>T, p.Thr1674Ile (NM_001127511.3); c.5129C>T, p.Thr1710Ile (NM_001354896.2, NM_001407447.1, NM_001407448.1 and 1 more transcripts); c.5105C>T, p.Thr1702Ile (NM_001354897.2); c.5000C>T, p.Thr1667Ile (NM_001354898.2); c.4991C>T, p.Thr1664Ile (NM_001354899.2); c.4952C>T, p.Thr1651Ile (NM_001354900.2); c.4898C>T, p.Thr1633Ile (NM_001354901.2, NM_001407453.1); and 12 more; short protein forms T1308I, T1682I, T1710I, T1532I, T1566I, T1601I, T1664I, T1702I.
Identifiers: ClinVar variation 2726739 (VCV002726739.4), dbSNP rs1554086433, ClinGen allele CA16032429.

ClinVar aggregate classification (germline): Uncertain significance. Review status: criteria provided, multiple submitters, no conflicts (2 of 4 stars). 2 submissions from 2 submitters: Uncertain significance (2). Last evaluated 2025-03-18.

Conditions:
Familial adenomatous polyposis 1 (FAP1). Also called: FAMILIAL ADENOMATOUS POLYPOSIS 1, ATTENUATED; POLYPOSIS, ADENOMATOUS INTESTINAL. Identifiers: MedGen C2713442, MONDO:0021056, OMIM 175100. Disease mechanism: loss of function.

Submissions (2):

GeneDx
Classification: Uncertain significance. Last evaluated: 2025-03-18. Review status: criteria provided, single submitter. Criteria: GeneDx Variant Classification Process June 2021. Collection method: clinical testing. Allele origin: germline. Affected: yes.
Comment: Not observed at significant frequency in large population cohorts (gnomAD); In silico analysis indicates that this missense variant does not alter protein structure/function; Has not been previously published as pathogenic or benign to our knowledge; This variant is associated with the following publications: (PMID: 18199528)

Labcorp Genetics (formerly Invitae), Labcorp
Classification: Uncertain significance for Familial adenomatous polyposis 1. Last evaluated: 2023-06-23. Review status: criteria provided, single submitter. Criteria: Invitae Variant Classification Sherloc (09022015). Collection method: clinical testing. Allele origin: germline.
Comment: In summary, the available evidence is currently insufficient to determine the role of this variant in disease. Therefore, it has been classified as a Variant of Uncertain Significance. Advanced modeling of protein sequence and biophysical properties (such as structural, functional, and spatial information, amino acid conservation, physicochemical variation, residue mobility, and thermodynamic stability) performed at Invitae indicates that this missense variant is not expected to disrupt APC protein function. This variant has not been reported in the literature in individuals affected with APC-related conditions. This variant is not present in population databases (gnomAD no frequency). This sequence change replaces threonine, which is neutral and polar, with isoleucine, which is neutral and non-polar, at codon 1692 of the APC protein (p.Thr1692Ile).